The following is an entry in ClinVar:

ClinVar aggregate classification (germline): Benign/Likely benign. Review status: criteria provided, multiple submitters, no conflicts (2 of 4 stars). 5 submissions from 5 submitters: Benign (2); Likely benign (3). Last evaluated 2026-06-02.

Conditions:
Osteogenesis imperfecta with normal sclerae, dominant form (OI4). Also called: OSTEOGENESIS IMPERFECTA, TYPE IV, WITH DENTINOGENESIS IMPERFECTA; OSTEOGENESIS IMPERFECTA WITH NORMAL SCLERAE; Common Variable Osteogenesis Imperfecta with Normal Sclerae; Osteogenesis imperfecta type 4; Osteogenesis Imperfecta Type IV. Identifiers: Orphanet 216820, Orphanet 666, MedGen C0268363, MONDO:0008148, OMIM 166220.
Osteogenesis imperfecta, perinatal lethal (OI2). Also called: OI, TYPE II; OSTEOGENESIS IMPERFECTA CONGENITA; OSTEOGENESIS IMPERFECTA, TYPE II; Osteogenesis imperfecta, dominant perinatal lethal; VROLIK TYPE OF OSTEOGENESIS IMPERFECTA; Osteogenesis imperfecta type 2. Identifiers: Orphanet 216804, MedGen C0268358, MONDO:0008147, OMIM 166210.
Combined osteogenesis imperfecta and Ehlers-Danlos syndrome 1. Also called: OIEDS SYNDROME 1. Identifiers: MedGen C5436842, MONDO:0030854, OMIM 619115.
Osteogenesis imperfecta type I (OI1). Also called: Lobstein's Disease; Lobstein disease; OI, TYPE I; OSTEOGENESIS IMPERFECTA TARDA; OSTEOGENESIS IMPERFECTA WITH BLUE SCLERAE; Classic Non-deforming Osteogenesis Imperfecta with Blue Sclerae. Identifiers: Orphanet 216796, Orphanet 666, MedGen C0023931, MONDO:0008146, OMIM 166200. Disease mechanism: loss of function.
Ehlers-Danlos syndrome, arthrochalasia type. Also called: ARTHROCHALASIS MULTIPLEX CONGENITA; EDS VII, MUTANT PROCOLLAGEN TYPE; EDS VIIA; Ehlers-Danlos syndrome, arthrochalasia type, 1; Ehlers-Danlos syndrome, arthrochalasis type. Identifiers: Orphanet 1899, Orphanet 99875, Orphanet 99876, MedGen C4551623, MONDO:0007525, OMIM 130060.
Osteoporosis. Identifiers: MedGen C0029456, MONDO:0005298, OMIM 166710, HP:0000939.
Infantile cortical hyperostosis. Also called: Hyperostosis, Cortical, Congenital; Caffey Disease; P1PK BLOOD GROUP SYSTEM, P(2) PHENOTYPE. Identifiers: Orphanet 1310, MedGen C0020497, MONDO:0007244, OMIM 114000.
Osteogenesis imperfecta type III (OI3). Also called: Osteogenesis imperfecta type 3; OI type 3; Osteogenesis imperfecta, progressively deforming with normal sclerae; OI type III; Progressively Deforming Osteogenesis Imperfecta. Identifiers: Orphanet 216812, Orphanet 666, MedGen C0268362, MONDO:0009804, OMIM 259420.

Submissions (5):

Women's Health and Genetics/Laboratory Corporation of America, LabCorp
Classification: Benign. Last evaluated: 2026-06-02. Review status: criteria provided, single submitter. Criteria: LabCorp Variant Classification Summary - May 2015. Collection method: clinical testing. Allele origin: germline.
Comment: Variant summary: COL1A1 c.1056+12dupC alters a non-conserved nucleotide located at a position not widely known to affect splicing. Consensus agreement among computation tools predict no significant impact on normal splicing. However, these predictions have yet to be confirmed by functional studies. The variant allele was found at a frequency of 5.9e-05 in 185166 control chromosomes. The observed variant frequency exceeds the estimated maximal expected allele frequency for disease-causing variants in COL1A1. To our knowledge, no occurrence of c.1056+12dupC in individuals affected with COL1A1-related conditions and no experimental evidence demonstrating its impact on protein function have been reported. ClinVar contains an entry for this variant (Variation ID: 421361). Based on the evidence outlined above, the variant was classified as benign.

Labcorp Genetics (formerly Invitae), Labcorp
Classification: Benign for Osteogenesis imperfecta type I. Last evaluated: 2025-09-13. Review status: criteria provided, single submitter. Criteria: Invitae Variant Classification Sherloc (09022015). Collection method: clinical testing. Allele origin: germline.

Blueprint Genetics
Classification: Likely benign. Last evaluated: 2024-01-18. Review status: criteria provided, single submitter. Criteria: ACMG Guidelines, 2015. Collection method: clinical testing. Allele origin: germline.

Fulgent Genetics
Classification: Likely benign for Infantile cortical hyperostosis; Ehlers-Danlos syndrome, arthrochalasia type; Osteogenesis imperfecta type I; Osteogenesis imperfecta, perinatal lethal; Osteogenesis imperfecta with normal sclerae, dominant form; Osteoporosis; Osteogenesis imperfecta type III; Combined osteogenesis imperfecta and Ehlers-Danlos syndrome 1. Last evaluated: 2021-09-21. Review status: criteria provided, single submitter. Criteria: ACMG Guidelines, 2015. Collection method: clinical testing. Allele origin: unknown.

GeneDx
Classification: Likely benign. Last evaluated: 2018-06-04. Review status: criteria provided, single submitter. Criteria: GeneDx Variant Classification Process June 2021. Collection method: clinical testing. Allele origin: germline. Affected: yes.

NM_000088.4(COL1A1):c.1056+12dup

Gene: COL1A1 (collagen type I alpha 1 chain; minus strand). Cytogenetic location: 17q21.33.
Variant type: Duplication.
Coding change: c.1056+12dup on transcript NM_000088.4 (MANE Select); 12 bases into the intron after coding-DNA position 1056, one base duplicated (C; older notation c.1056+12dupC).
Molecular consequence: intron variant.
Genome position (GRCh38, 1-based): chr17:50,195,911, G duplicated on the plus strand (C on the coding strand, the reverse complement: COL1A1 is on the minus strand); the first of 6 consecutive G bases (chr17:50,195,911-50,195,916); duplicating any one gives the same sequence. VCF-style (leftmost placement, unchanged base first): chr17-50195910-T-TG. GRCh37 (hg19) VCF-style: chr17-48273271-T-TG.
Other names: c.1056+12dupC (NM_000088.4, NM_000088.3).
Identifiers: ClinVar variation 421361 (VCV000421361.13), dbSNP rs766175536, ClinGen allele CA8645415.
Genomic context (GRCh38, chr17:50,195,910, plus strand): 5'-GGTTTGGGGAACAGGGAGACATGAACCCCTTGGCCCATGAGGGTCATGCTTAGAGGAGAG[T>TG]GGGGGGTCTCACCTTAGCACCAACAGCACCAGGGAAGCCAGGAGGACCAGCGGGGCCGGT-3'